The following is an entry in ClinVar:

ClinVar aggregate classification (germline): Conflicting classifications of pathogenicity. Review status: criteria provided, conflicting classifications (1 of 4 stars). 2 submissions from 2 submitters: Uncertain significance (1); Likely benign (1). Last evaluated 2022-07-01.

Conditions:
Generalized epilepsy with febrile seizures plus, type 7 (GEFSP7). Also called: GEFS+, TYPE 7. Identifiers: Orphanet 36387, MedGen C2751778, MONDO:0013470, OMIM 613863.
Neuropathy, hereditary sensory and autonomic, type 2A (HSAN2A). Also called: HSAN IIA; ACROOSTEOLYSIS, GIACCAI TYPE; ACROOSTEOLYSIS, NEUROGENIC; MORVAN DISEASE; NEUROPATHY, CONGENITAL SENSORY; NEUROPATHY, HEREDITARY SENSORY RADICULAR, AUTOSOMAL RECESSIVE. Identifiers: Orphanet 970, MedGen C2752089, MONDO:0024309, OMIM 201300.

Allele frequency attached by ClinVar (database versions not stated): gnomAD exomes below 0.00001.
gnomAD v4.1: 2 of 1,590,324 alleles (0.00013%); highest among the groups gnomAD compares: Non-Finnish European, 0.00017%; no homozygotes.

Submissions (2):

CeGaT Center for Human Genetics Tuebingen
Classification: Uncertain significance. Last evaluated: 2022-07-01. Review status: criteria provided, single submitter. Criteria: CeGaT Center For Human Genetics Tuebingen Variant Classification Criteria Version 2. Collection method: clinical testing. Allele origin: germline. Affected: yes. Observed: 1 variant allele.
Comment: SCN9A: PM2, BP4

Labcorp Genetics (formerly Invitae), Labcorp
Classification: Likely benign for Neuropathy, hereditary sensory and autonomic, type 2A; Generalized epilepsy with febrile seizures plus, type 7. Last evaluated: 2019-10-04. Review status: criteria provided, single submitter. Criteria: Invitae Variant Classification Sherloc (09022015). Collection method: clinical testing. Allele origin: germline.

NM_001365536.1(SCN9A):c.2146A>C (p.Arg716=)

Genes: SCN1A-AS1 (SCN1A and SCN9A antisense RNA 1; plus strand), SCN9A (sodium voltage-gated channel alpha subunit 9; minus strand). Cytogenetic location: 2q24.3.
Variant type: single nucleotide variant.
Coding change: c.2146A>C on transcript NM_001365536.1 (MANE Select); coding-DNA position 2146, A replaced by C.
Protein change: p.Arg716=; no amino-acid change (arginine 716 retained).
Molecular consequence: synonymous variant.
Genome position (GRCh38, 1-based): chr2:166,280,554, T>G on the plus strand (A>C on the coding strand, the complement: SCN9A is on the minus strand). VCF-style: chr2-166280554-T-G. GRCh37 (hg19) VCF-style: chr2-167137064-T-G.
Other names: c.2113A>C, p.Arg705= (NM_002977.4).
Identifiers: ClinVar variation 1114593 (VCV001114593.38), dbSNP rs1177414657, ClinGen allele CA429902600.